The following is an entry in ClinVar:

ClinVar aggregate classification (germline): Uncertain significance (1 of 4 stars; one submission).

Submission:

Ambry Genetics
Classification: Uncertain significance. Last evaluated: 2024-09-24. Review status: criteria provided, single submitter. Criteria: Ambry Variant Classification Scheme 2023. Collection method: clinical testing. Allele origin: germline.
Comment: The p.I933V variant (also known as c.2797A>G), located in coding exon 14 of the NPAT gene, results from an A to G substitution at nucleotide position 2797. The isoleucine at codon 933 is replaced by valine, an amino acid with highly similar properties. This amino acid position is conserved. In addition, this alteration is predicted to be tolerated by in silico analysis. Based on the available evidence, the clinical significance of this variant remains unclear.

NM_002519.3(NPAT):c.2797A>G (p.Ile933Val)

Gene: NPAT (nuclear protein, coactivator of histone transcription; minus strand). Cytogenetic location: 11q22.3.
Variant type: single nucleotide variant.
Coding change: c.2797A>G on transcript NM_002519.3 (MANE Select); coding-DNA position 2797, A replaced by G.
Protein change: p.Ile933Val; replaces isoleucine 933 with valine.
Molecular consequence: missense variant.
Genome position (GRCh38, 1-based): chr11:108,170,032, T>C on the plus strand (A>G on the coding strand, the complement: NPAT is on the minus strand). VCF-style: chr11-108170032-T-C. GRCh37 (hg19) VCF-style: chr11-108040759-T-C.
Other names: c.2797A>G, p.Ile933Val (NM_001321307.1); short protein forms I933V.
Identifiers: ClinVar variation 3407156 (VCV003407156.1).